The following is an entry in ClinVar:

ClinVar aggregate classification (germline): Uncertain significance (1 of 4 stars; one submission).

Conditions:
Deficiency of ferroxidase (ACEP). Also called: Aceruloplasminemia; Deficiency of ceruloplasmin; NEURODEGENERATION WITH BRAIN IRON ACCUMULATION 10; Ceruloplasmin deficiency; Familial apoceruloplasmin deficiency; Hereditary ceruloplasmin deficiency. Identifiers: Orphanet 48818, MedGen C0878682, MONDO:0011426, OMIM 604290, HP:0025498.

Allele frequency attached by ClinVar (database versions not stated): gnomAD exomes 0.00001.
gnomAD v4.1: 7 of 1,613,440 alleles (0.00043%); highest among the groups gnomAD compares: Non-Finnish European, 0.00059%; no homozygotes.

Submission:

Labcorp Genetics (formerly Invitae), Labcorp
Classification: Uncertain significance for Deficiency of ferroxidase. Last evaluated: 2020-10-23. Review status: criteria provided, single submitter. Criteria: Invitae Variant Classification Sherloc (09022015). Collection method: clinical testing. Allele origin: germline.
Comment: This variant has not been reported in the literature in individuals with CP-related conditions. In summary, the available evidence is currently insufficient to determine the role of this variant in disease. Therefore, it has been classified as a Variant of Uncertain Significance. Advanced modeling of protein sequence and biophysical properties (such as structural, functional, and spatial information, amino acid conservation, physicochemical variation, residue mobility, and thermodynamic stability) performed at Invitae indicates that this missense variant is expected to disrupt CP protein function. This variant is not present in population databases (ExAC no frequency). This sequence change replaces tryptophan with arginine at codon 859 of the CP protein (p.Trp859Arg). The tryptophan residue is highly conserved and there is a moderate physicochemical difference between tryptophan and arginine.

NM_000096.4(CP):c.2575T>C (p.Trp859Arg)

Gene: CP (ceruloplasmin; minus strand). Cytogenetic location: 3q24.
Variant type: single nucleotide variant.
Coding change: c.2575T>C on transcript NM_000096.4 (MANE Select); coding-DNA position 2575, T replaced by C.
Protein change: p.Trp859Arg; replaces tryptophan 859 with arginine.
Molecular consequence: missense variant. On other transcripts: non-coding transcript variant (1).
Genome position (GRCh38, 1-based): chr3:149,179,642, A>G on the plus strand (T>C on the coding strand, the complement: CP is on the minus strand). VCF-style: chr3-149179642-A-G. GRCh37 (hg19) VCF-style: chr3-148897429-A-G.
Other names: short protein forms W859R.
Identifiers: ClinVar variation 1001430 (VCV001001430.6), dbSNP rs1725651811, ClinGen allele CA354930133.